The following is an entry in ClinVar:

ClinVar aggregate classification (germline): Pathogenic/Likely pathogenic. Review status: criteria provided, multiple submitters, no conflicts (2 of 4 stars). 6 submissions from 5 submitters: Pathogenic (3); Likely pathogenic (2). 1 of the submissions does not count toward it. Last evaluated 2025-04-17.

Conditions:
Leber congenital amaurosis 8 (LCA8). Identifiers: Orphanet 65, MedGen C3151202, MONDO:0013453, OMIM 613835.
Retinitis pigmentosa 12 (RP12). Also called: RP WITH OR WITHOUT PPRPE; RP WITH OR WITHOUT PRESERVED PARAARTERIOLE RETINAL PIGMENT EPITHELIUM; RETINITIS PIGMENTOSA WITH OR WITHOUT PARAARTERIOLAR PRESERVATION OF RETINAL PIGMENT EPITHELIUM. Identifiers: Orphanet 791, MedGen C1838647, MONDO:0010818, OMIM 600105.
CRB1-related disorder. Also called: CRB1-related disorders; CRB1-related condition.
Leber congenital amaurosis (LCA). Also called: Leber's amaurosis. Identifiers: Orphanet 65, MedGen C0339527, MeSH D057130, MONDO:0018998.

Submissions (6):

Labcorp Genetics (formerly Invitae), Labcorp
Classification: Pathogenic for Leber congenital amaurosis 8; Retinitis pigmentosa 12. Last evaluated: 2025-04-17. Review status: criteria provided, single submitter. Criteria: Invitae Variant Classification Sherloc (09022015). Collection method: clinical testing. Allele origin: germline.
Comment: This sequence change creates a premature translational stop signal (p.Cys221*) in the CRB1 gene. It is expected to result in an absent or disrupted protein product. Loss-of-function variants in CRB1 are known to be pathogenic (PMID: 10508521, 22065545, 23379534, 25412400, 26957898, 28041643, 29391521). This variant is not present in population databases (gnomAD no frequency). This premature translational stop signal has been observed in individual(s) with Leber congenital amaurosis (PMID: 26047050). ClinVar contains an entry for this variant (Variation ID: 844387). For these reasons, this variant has been classified as Pathogenic.

Genome-Nilou Lab
Classification: Pathogenic for Leber congenital amaurosis 8. Last evaluated: 2023-04-11. Review status: criteria provided, single submitter. Criteria: ACMG Guidelines, 2015. Collection method: clinical testing. Allele origin: germline. Affected: no.

Genome-Nilou Lab
Classification: Pathogenic for Retinitis pigmentosa 12. Last evaluated: 2023-04-11. Review status: criteria provided, single submitter. Criteria: ACMG Guidelines, 2015. Collection method: clinical testing. Allele origin: germline. Affected: no.

Revvity Omics, Revvity
Classification: Likely pathogenic. Last evaluated: 2022-06-07. Review status: criteria provided, single submitter. Criteria: ACMG Guidelines, 2015. Collection method: clinical testing. Allele origin: germline.

Blueprint Genetics
Classification: Likely pathogenic for CRB1-related disorders. Last evaluated: 2018-06-08. Review status: criteria provided, single submitter. Criteria: ACMG Guidelines, 2015. Collection method: clinical testing. Allele origin: germline. Affected: yes. Observed: 1 variant allele.

Natera, Inc.
Classification: Pathogenic for Leber congenital amaurosis. Last evaluated: 2021-02-12. Review status: no assertion criteria provided. Collection method: clinical testing. Allele origin: germline. Not counted in ClinVar's aggregate classification.

Literature cited by the submitters: PubMed 10508521 (cited by Labcorp Genetics (formerly Invitae), Labcorp); PubMed 22065545 (cited by Labcorp Genetics (formerly Invitae), Labcorp); PubMed 23379534 (cited by Labcorp Genetics (formerly Invitae), Labcorp); PubMed 25412400 (cited by Labcorp Genetics (formerly Invitae), Labcorp); PubMed 26957898 (cited by Labcorp Genetics (formerly Invitae), Labcorp); PubMed 28041643 (cited by Labcorp Genetics (formerly Invitae), Labcorp); PubMed 29391521 (cited by Labcorp Genetics (formerly Invitae), Labcorp); PubMed 26047050 (cited by Labcorp Genetics (formerly Invitae), Labcorp).

NM_201253.3(CRB1):c.663_664del (p.Cys221_Glu222delinsTer)

Gene: CRB1 (crumbs cell polarity complex component 1; plus strand). Cytogenetic location: 1q31.3.
Variant type: Microsatellite.
Coding change: c.663_664del on transcript NM_201253.3 (MANE Select); coding-DNA positions 663 to 664, 2 bases deleted (TG; older notation c.663_664delTG).
Protein change: p.Cys221_Glu222delinsTer.
Molecular consequence: nonsense. On other transcripts: non-coding transcript variant (2), intron variant (1).
Genome position (GRCh38, 1-based): chr1:197,344,291-197,344,292, TG deleted; deleting any 2 consecutive bases within chr1:197,344,289-197,344,292 gives the same sequence; the c. name uses the placement nearest the transcript's 3' end. VCF-style (leftmost placement, unchanged base first): chr1-197344288-CTG-C. GRCh37 (hg19) VCF-style: chr1-197313418-CTG-C.
Other names: c.456_457del, p.Cys152_Glu153delinsTer (NM_001257965.2); c.663_664del, p.Cys221_Glu222delinsTer (NM_001257966.2); c.653-12540_653-12539del (NM_001193640.2).
Identifiers: ClinVar variation 844387 (VCV000844387.13), dbSNP rs778731851, ClinGen allele CA36048415.